The following is an entry in ClinVar:

ClinVar aggregate classification (germline): Pathogenic (0 of 4 stars; one submission).

Conditions:
Microcephaly-capillary malformation syndrome (MICCAP). Identifiers: Orphanet 294016, MedGen C3280296, MONDO:0013659, OMIM 614261.

Allele frequency attached by ClinVar (database versions not stated): gnomAD exomes 0.00001; ExAC 0.00002; TOPMed 0.00002.
gnomAD v4.1: 8 of 1,613,980 alleles (0.0005%); highest among the groups gnomAD compares: East Asian, 0.018%; no homozygotes.

Submission:

Department Of Pediatrics And Neonatology, Nagoya City University Graduate School Of Medical Sciences
Classification: Pathogenic for Microcephaly-capillary malformation syndrome. Last evaluated: 2018-01-02. Review status: no assertion criteria provided. Collection method: case-control. Allele origin: germline. Inheritance: Autosomal recessive inheritance. Affected: yes. Observed: 1 variant allele, 1 homozygote.
Comment: The mutation is located in the SH3 binding motif with which SH3 domain of STAM interacts. The mutation was predicted to be damaging by SIFT (score 0.003), PolyPhen-2 (HDIV score 0.748) and MutationTaster (probability value 0.999). The raw CADD score was 6.85 and scaled C-score was 33, indicating pathogenicity. The mutation was not registered in the 1000 Genomes Project, ESP6500, HGVD, UK10K, HGMD (ver2017.3) and ClinVar databases as of December 2017. Only 3 out of 60,543 individuals (MAF = 0.00005) and 1 out of 3,545 individuals (MAF = 0.00028) carried the mutation as heterozygote in ExAC and iJGVD (3.5K Japanese) database, respectively. Homozygous carriers of the mutation have not been registered in any database.

Literature cited by the submitters: PubMed 29907875.

NM_213622.4(STAMBP):c.707C>T (p.Ser236Phe)

Gene: STAMBP (STAM binding protein; plus strand). Cytogenetic location: 2p13.1.
Variant type: single nucleotide variant.
Coding change: c.707C>T on transcript NM_213622.4 (MANE Select); coding-DNA position 707, C replaced by T.
Protein change: p.Ser236Phe; replaces serine 236 with phenylalanine.
Molecular consequence: missense variant. On other transcripts: non-coding transcript variant (4).
Genome position (GRCh38, 1-based): chr2:73,847,718, C>T. VCF-style: chr2-73847718-C-T. GRCh37 (hg19) VCF-style: chr2-74074845-C-T.
Other names: c.707C>T, p.Ser236Phe (NM_001353967.2, NM_001353968.2, NM_001353969.2 and 3 more transcripts); c.302C>T, p.Ser101Phe (NM_001353971.2, NM_001353972.2, NM_001353973.2 and 3 more transcripts); short protein forms S236F, S101F.
Identifiers: ClinVar variation 492960 (VCV000492960.3), dbSNP rs766580482, ClinGen allele CA1717587.